The following is an entry in ClinVar:

NM_006080.3(SEMA3A):c.1654C>T (p.Arg552Cys)

Gene: SEMA3A (semaphorin 3A; minus strand). Cytogenetic location: 7q21.11.
Variant type: single nucleotide variant.
Coding change: c.1654C>T on transcript NM_006080.3 (MANE Select); coding-DNA position 1654, C replaced by T.
Protein change: p.Arg552Cys; replaces arginine 552 with cysteine.
Molecular consequence: missense variant.
Genome position (GRCh38, 1-based): chr7:83,977,195, G>A on the plus strand (C>T on the coding strand, the complement: SEMA3A is on the minus strand). VCF-style: chr7-83977195-G-A. GRCh37 (hg19) VCF-style: chr7-83606511-G-A.
Other names: c.1654C>T (NM_006080.2); short protein forms R552C.
Identifiers: ClinVar variation 287083 (VCV000287083.8), dbSNP rs557001005, ClinGen allele CA4322653.
Genomic context (GRCh38, chr7:83,977,195, plus strand): 5'-GGTGTAAGTCTGAACAGTGAGTCAGTGGGTCTCCATTTCTTATATCTTGTCGTCTTGTGC[G>A]TCTGAAGCAATTACATTTAAAAGGTGTTATTGTATCCTTATTTTTCCCTTCTAGGAATTT-3'
Protein context (NP_006071.1, residues 542-562): CSRYFPTAKR[Arg552Cys]TRRQDIRNGD

ClinVar aggregate classification (germline): Uncertain significance. Review status: criteria provided, single submitter (1 of 4 stars). 2 submissions from 2 submitters: Uncertain significance (1). 1 of the submissions does not count toward it. Last evaluated 2016-04-15.

Conditions:
SEMA3A-related disorder. Also called: SEMA3A-related condition.

Allele frequency attached by ClinVar (database versions not stated): gnomAD exomes 0.00003 and 0.00009; TOPMed 0.00007; ExAC 0.00008; gnomAD 0.00008 and 0.00010; 1000 Genomes Project 30x 0.00062; 1000 Genomes Project 0.00080.
gnomAD v4.1: 72 of 1,574,186 alleles (0.0046%); highest among the groups gnomAD compares: East Asian, 0.041%; no homozygotes.

Submissions (2):

Eurofins Ntd Llc (ga)
Classification: Uncertain significance. Last evaluated: 2016-04-15. Review status: criteria provided, single submitter. Criteria: EGL Classification Definitions 2015. Collection method: clinical testing. Allele origin: germline. Observed: 1 variant allele, 1 heterozygote.

PreventionGenetics, part of Exact Sciences
Classification: Uncertain significance for SEMA3A-related condition. Last evaluated: 2024-02-29. Review status: no assertion criteria provided. Collection method: clinical testing. Allele origin: germline. Not counted in ClinVar's aggregate classification.
Comment: The SEMA3A c.1654C>T variant is predicted to result in the amino acid substitution p.Arg552Cys. This variant was reported in an individual with Brugada syndrome (Boczek et al 2014. PubMed ID: 24963029). Functional studies showed that this variant leads to an increase of the Kv4.3 current (Boczek et al 2014. PubMed ID: 24963029). This variant is reported in 0.049% of alleles in individuals of East Asian descent in gnomAD. At this time, the clinical significance of this variant is uncertain due to the absence of conclusive functional and genetic evidence.